The following is an entry in ClinVar:

ClinVar aggregate classification (germline): Pathogenic (1 of 4 stars; one submission).

Conditions:
Deficiency of aromatic-L-amino-acid decarboxylase. Also called: AADC DEFICIENCY; DDC DEFICIENCY; DOPA DECARBOXYLASE DEFICIENCY; Aromatic L-Amino Acid Decarboxylase Deficiency; Aromatic amino acid decarboxylase deficiency. Identifiers: Orphanet 35708, MedGen C1291564, MONDO:0012084, OMIM 608643.

Submission:

Labcorp Genetics (formerly Invitae), Labcorp
Classification: Pathogenic for Deficiency of aromatic-L-amino-acid decarboxylase. Last evaluated: 2025-05-04. Review status: criteria provided, single submitter. Criteria: Invitae Variant Classification Sherloc (09022015). Collection method: clinical testing. Allele origin: germline.
Comment: This sequence change creates a premature translational stop signal (p.Arg412Glyfs*2) in the DDC gene. It is expected to result in an absent or disrupted protein product. Loss-of-function variants in DDC are known to be pathogenic (PMID: 15079002, 24788355). This variant is present in population databases (no rsID available, gnomAD 0.0009%). This variant has not been reported in the literature in individuals affected with DDC-related conditions. ClinVar contains an entry for this variant (Variation ID: 1374428). Algorithms developed to predict the effect of sequence changes on RNA splicing suggest that this variant may disrupt the consensus splice site. For these reasons, this variant has been classified as Pathogenic.

Literature cited by the submitters: PubMed 15079002; PubMed 24788355.

NM_001082971.2(DDC):c.1233del (p.Arg412fs)

Gene: DDC (dopa decarboxylase; minus strand). Cytogenetic location: 7p12.2.
Variant type: Deletion.
Coding change: c.1233del on transcript NM_001082971.2 (MANE Select); coding-DNA position 1233, one base deleted (T; older notation c.1233delT).
Protein change: p.Arg412fs; shifts the reading frame from arginine 412.
Molecular consequence: frameshift variant.
Genome position (GRCh38, 1-based): chr7:50,467,223, A deleted on the plus strand (T on the coding strand, the reverse complement: DDC is on the minus strand); the first of 3 consecutive A bases (chr7:50,467,223-50,467,225); deleting any one gives the same sequence. VCF-style (leftmost placement, unchanged base first): chr7-50467222-GA-G. GRCh37 (hg19) VCF-style: chr7-50534920-GA-G.
Other names: c.1233del, p.Arg412fs (NM_000790.4); c.1119del, p.Arg374fs (NM_001242886.2); c.1089del, p.Arg364fs (NM_001242887.2); c.999del, p.Arg334fs (NM_001242888.2); c.954del, p.Arg319fs (NM_001242889.2); short protein forms R334fs, R364fs, R412fs, R319fs, R374fs.
Identifiers: ClinVar variation 1374428 (VCV001374428.6), dbSNP rs1344017069, ClinGen allele CA574297594.